The following is an entry in ClinVar:

ClinVar aggregate classification (germline): Likely benign. Review status: criteria provided, single submitter (1 of 4 stars). 2 submissions from 2 submitters: Likely benign (1). 1 of the submissions does not count toward it. Last evaluated 2019-01-11.

Conditions:
NRP2-related disorder. Also called: NRP2-related condition.

Allele frequency attached by ClinVar (database versions not stated): TOPMed 0.00006; ExAC 0.00008; gnomAD 0.00011 and 0.00012; gnomAD exomes 0.00012.
gnomAD v4.1: 156 of 1,613,728 alleles (0.0097%); highest among the groups gnomAD compares: Non-Finnish European, 0.0075%; no homozygotes.

Submissions (2):

Labcorp Genetics (formerly Invitae), Labcorp
Classification: Likely benign. Last evaluated: 2019-01-11. Review status: criteria provided, single submitter. Criteria: Invitae Variant Classification Sherloc (09022015). Collection method: clinical testing. Allele origin: germline.

PreventionGenetics, part of Exact Sciences
Classification: Likely benign for NRP2-related condition. Last evaluated: 2023-05-11. Review status: no assertion criteria provided. Collection method: clinical testing. Allele origin: germline. Not counted in ClinVar's aggregate classification.
Comment: This variant is classified as likely benign based on ACMG/AMP sequence variant interpretation guidelines (Richards et al. 2015 PMID: 25741868, with internal and published modifications).

NM_003872.3(NRP2):c.2316C>T (p.Phe772=)

Gene: NRP2 (neuropilin 2; plus strand). Cytogenetic location: 2q33.3.
Variant type: single nucleotide variant.
Coding change: c.2316C>T on transcript NM_003872.3 (MANE Select); coding-DNA position 2316, C replaced by T.
Protein change: p.Phe772=; no amino-acid change (phenylalanine 772 retained).
Molecular consequence: synonymous variant.
Genome position (GRCh38, 1-based): chr2:205,765,482, C>T. VCF-style: chr2-205765482-C-T. GRCh37 (hg19) VCF-style: chr2-206630206-C-T.
Other names: c.2316C>T, p.Phe772= (NM_018534.4, NM_201266.2, NM_201267.2 and 1 more transcripts).
Identifiers: ClinVar variation 761746 (VCV000761746.5), dbSNP rs752006505, ClinGen allele CA2069363.